The following is an entry in ClinVar:

ClinVar aggregate classification (germline): Uncertain significance (1 of 4 stars; one submission).

Conditions:
Cowden syndrome (CS). Also called: Cowden's disease; Cowden's syndrome; Cowden disease. Identifiers: Orphanet 201, MedGen C0018553, MONDO:0016063. Disease mechanism: gain of function.

Submission:

Labcorp Genetics (formerly Invitae), Labcorp
Classification: Uncertain significance for Cowden syndrome. Last evaluated: 2022-07-13. Review status: criteria provided, single submitter. Criteria: Invitae Variant Classification Sherloc (09022015). Collection method: clinical testing. Allele origin: germline.
Comment: This variant has not been reported in the literature in individuals affected with PIK3CA-related conditions. This sequence change replaces phenylalanine, which is neutral and non-polar, with tyrosine, which is neutral and polar, at codon 666 of the PIK3CA protein (p.Phe666Tyr). This variant is not present in population databases (gnomAD no frequency). Algorithms developed to predict the effect of missense changes on protein structure and function are either unavailable or do not agree on the potential impact of this missense change (SIFT: "Deleterious"; PolyPhen-2: "Benign"; Align-GVGD: "Class C15"). In summary, the available evidence is currently insufficient to determine the role of this variant in disease. Therefore, it has been classified as a Variant of Uncertain Significance.

NM_006218.4(PIK3CA):c.1997T>A (p.Phe666Tyr)

Gene: PIK3CA (phosphatidylinositol-4,5-bisphosphate 3-kinase catalytic subunit alpha; plus strand). Cytogenetic location: 3q26.32.
Variant type: single nucleotide variant.
Coding change: c.1997T>A on transcript NM_006218.4 (MANE Select); coding-DNA position 1997, T replaced by A.
Protein change: p.Phe666Tyr; replaces phenylalanine 666 with tyrosine.
Molecular consequence: missense variant.
Genome position (GRCh38, 1-based): chr3:179,220,034, T>A. VCF-style: chr3-179220034-T-A. GRCh37 (hg19) VCF-style: chr3-178937822-T-A.
Other names: short protein forms F666Y.
Identifiers: ClinVar variation 2016587 (VCV002016587.4), dbSNP rs2473528954, ClinGen allele CA355267419.